The following is an entry in ClinVar:

ClinVar aggregate classification (germline): Uncertain significance (1 of 4 stars; one submission).

Conditions:
Inborn genetic diseases. Identifiers: MedGen C0950123, MeSH D030342.

Submission:

Ambry Genetics
Classification: Uncertain significance for Inborn genetic diseases. Last evaluated: 2023-04-05. Review status: criteria provided, single submitter. Criteria: Ambry Variant Classification Scheme 2023. Collection method: clinical testing. Allele origin: germline.
Comment: The c.1186G>A (p.V396I) alteration is located in exon 6 (coding exon 6) of the MUC1 gene. This alteration results from a G to A substitution at nucleotide position 1186, causing the valine (V) at amino acid position 396 to be replaced by an isoleucine (I). This variant was not reported in population-based cohorts in the Genome Aggregation Database (gnomAD). This amino acid position is highly conserved in available vertebrate species. The in silico prediction for this alteration is inconclusive. Based on insufficient or conflicting evidence, the clinical significance of this alteration remains unclear.

NM_001204286.1(MUC1):c.1186G>A (p.Val396Ile)

Gene: MUC1 (mucin 1, cell surface associated; minus strand). Cytogenetic location: 1q22.
Variant type: single nucleotide variant.
Coding change: c.1186G>A on transcript NM_001204286.1; coding-DNA position 1186, G replaced by A.
Protein change: p.Val396Ile; replaces valine 396 with isoleucine.
Molecular consequence: missense variant. On other transcripts: intron variant (4).
Genome position (GRCh38, 1-based): chr1:155,187,499, C>T on the plus strand (G>A on the coding strand, the complement: MUC1 is on the minus strand). VCF-style: chr1-155187499-C-T. GRCh37 (hg19) VCF-style: chr1-155159975-C-T.
Other names: c.526G>A, p.Val176Ile (NM_001018016.3); c.499G>A, p.Val167Ile (NM_001018017.3); c.343G>A, p.Val115Ile (NM_001044390.3); c.311G>A, p.Gly104Asp (NM_001044393.3); c.1159G>A, p.Val387Ile (NM_001204285.2); c.580G>A, p.Val194Ile (NM_001204287.2); c.494G>A, p.Gly165Asp (NM_001204288.2); c.448G>A, p.Val150Ile (NM_001204289.2); and 12 more; short protein forms V115I, V142I, V185I, V387I, G104D, V176I, V396I, G165D.
Identifiers: ClinVar variation 2533651 (VCV002533651.2), dbSNP rs746119110, ClinGen allele CA342731345.